The following is an entry in ClinVar:

ClinVar aggregate classification (germline): Benign/Likely benign. Review status: criteria provided, multiple submitters, no conflicts (2 of 4 stars). 8 submissions from 8 submitters: Benign (7); Likely benign (1). Last evaluated 2026-02-04.

Conditions:
Primary ciliary dyskinesia. Also called: Ciliary dyskinesia. Identifiers: Orphanet 244, MedGen C0008780, MONDO:0016575, HP:0012265.
Primary ciliary dyskinesia 7. Also called: CILIARY DYSKINESIA, PRIMARY, 7, WITH OR WITHOUT SITUS INVERSUS. Identifiers: Orphanet 244, MedGen C2678473, MONDO:0012748, OMIM 611884.

Allele frequency attached by ClinVar (database versions not stated): 1000 Genomes Project 0.07728; 1000 Genomes Project 30x 0.07870; TOPMed 0.11016; gnomAD 0.11359 and 0.11414; ESP Exome Variant Server 0.12370.
gnomAD v4.1: 238,278 of 1,609,436 alleles (15%); highest among the groups gnomAD compares: Middle Eastern, 19%; 19,431 homozygotes.

Submissions (8):

Labcorp Genetics (formerly Invitae), Labcorp
Classification: Benign for Primary ciliary dyskinesia. Last evaluated: 2026-02-04. Review status: criteria provided, single submitter. Criteria: Invitae Variant Classification Sherloc (09022015). Collection method: clinical testing. Allele origin: germline.

Blueprint Genetics
Classification: Benign. Last evaluated: 2024-11-27. Review status: criteria provided, single submitter. Criteria: ACMG Guidelines, 2015. Collection method: clinical testing. Allele origin: germline.

Mayo Clinic Laboratories, Mayo Clinic
Classification: Benign. Last evaluated: 2022-04-26. Review status: criteria provided, single submitter. Criteria: ACMG Guidelines, 2015. Collection method: clinical testing. Allele origin: germline. Observed: 52 variant alleles.

Genome-Nilou Lab
Classification: Benign for Primary ciliary dyskinesia 7. Last evaluated: 2021-07-30. Review status: criteria provided, single submitter. Criteria: ACMG Guidelines, 2015. Collection method: clinical testing. Allele origin: germline. Affected: no.

GeneDx
Classification: Benign. Last evaluated: 2019-03-07. Review status: criteria provided, single submitter. Criteria: GeneDx Variant Classification Process June 2021. Collection method: clinical testing. Allele origin: germline. Affected: yes.

Laboratory for Molecular Medicine, Mass General Brigham Personalized Medicine
Classification: Benign. Last evaluated: 2013-02-21. Review status: criteria provided, single submitter. Criteria: LMM Criteria. Collection method: clinical testing. Allele origin: germline. Observed: 30 variant alleles.
Comment: Ser654Cys in exon 11 of DNAH11: This variant is not expected to have clinical si gnificance because it has been identified in 16.8% (1378/8220) of European Ameri can chromosomes from a broad population by the NHLBI Exome Sequencing Project (dbSNP rs62441683).

Breakthrough Genomics
Classification: Likely benign. Review status: criteria provided, single submitter. Criteria: ACMG Guidelines, 2015. Collection method: not provided. Allele origin: germline. Inheritance: Autosomal recessive inheritance. Affected: yes.

PreventionGenetics, part of Exact Sciences
Classification: Benign. Review status: criteria provided, single submitter. Criteria: ACMG Guidelines, 2015. Collection method: clinical testing. Allele origin: germline.

NM_001277115.2(DNAH11):c.1961C>G (p.Ser654Cys)

Gene: DNAH11 (dynein axonemal heavy chain 11; plus strand). Cytogenetic location: 7p15.3.
Variant type: single nucleotide variant.
Coding change: c.1961C>G on transcript NM_001277115.2 (MANE Select); coding-DNA position 1961, C replaced by G.
Protein change: p.Ser654Cys; replaces serine 654 with cysteine.
Molecular consequence: missense variant.
Genome position (GRCh38, 1-based): chr7:21,588,624, C>G. VCF-style: chr7-21588624-C-G. GRCh37 (hg19) VCF-style: chr7-21628242-C-G.
Other names: short protein forms S654C.
Identifiers: ClinVar variation 163098 (VCV000163098.27), dbSNP rs62441683, ClinGen allele CA175708.
Genomic context (GRCh38, chr7:21,588,624, plus strand): 5'-ATATGAAATGGGCCCAGCAGGTTCTCCAACGACTTCAAATGTTTTGGTCAAACTTCGCAT[C>G]TCTCCGTTATCTGTAAGTAGTTAAGCTTAGGTCATGGCAAGTTATTCTAATGGTACGGGT-3'
Protein context (NP_001264044.1, residues 644-664): RLQMFWSNFA[Ser654Cys]LRYLFLGNPD